The following is an entry in ClinVar:

ClinVar aggregate classification (germline): Benign. Review status: criteria provided, multiple submitters, no conflicts (2 of 4 stars). 6 submissions from 6 submitters: Benign (6). Last evaluated 2026-02-04.

Conditions:
Primary ciliary dyskinesia. Also called: Ciliary dyskinesia. Identifiers: Orphanet 244, MedGen C0008780, MONDO:0016575, HP:0012265.

Allele frequency attached by ClinVar (database versions not stated): gnomAD exomes 0.42721 and 0.43364; ExAC 0.43897; 1000 Genomes Project 0.49321; 1000 Genomes Project 30x 0.49625; gnomAD 0.50255 and 0.51174; TOPMed 0.50699; ESP Exome Variant Server 0.51821.

Submissions (6):

Labcorp Genetics (formerly Invitae), Labcorp
Classification: Benign for Primary ciliary dyskinesia. Last evaluated: 2026-02-04. Review status: criteria provided, single submitter. Criteria: Invitae Variant Classification Sherloc (09022015). Collection method: clinical testing. Allele origin: germline.

Blueprint Genetics
Classification: Benign. Last evaluated: 2024-11-27. Review status: criteria provided, single submitter. Criteria: ACMG Guidelines, 2015. Collection method: clinical testing. Allele origin: germline.

Mayo Clinic Laboratories, Mayo Clinic
Classification: Benign. Last evaluated: 2022-04-26. Review status: criteria provided, single submitter. Criteria: ACMG Guidelines, 2015. Collection method: clinical testing. Allele origin: germline. Observed: 136 variant alleles.

GeneDx
Classification: Benign. Last evaluated: 2018-11-10. Review status: criteria provided, single submitter. Criteria: GeneDx Variant Classification Process June 2021. Collection method: clinical testing. Allele origin: germline. Affected: yes.

Laboratory for Molecular Medicine, Mass General Brigham Personalized Medicine
Classification: Benign. Last evaluated: 2016-03-28. Review status: criteria provided, single submitter. Criteria: LMM Criteria. Collection method: clinical testing. Allele origin: germline.
Comment: Variant identified in a genome or exome case(s) and assessed due to predicted null impact of the variant or pathogenic assertions in the literature or databases. Disclaimer: This variant has not undergone full assessment. The following are preliminary notes: Frequency

PreventionGenetics, part of Exact Sciences
Classification: Benign. Review status: criteria provided, single submitter. Criteria: ACMG Guidelines, 2015. Collection method: clinical testing. Allele origin: germline.

NM_001206927.2(DNAH8):c.10141-4del

Genes: DNAH8 (dynein axonemal heavy chain 8; plus strand), DNAH8-AS1 (DNAH8 antisense RNA 1; minus strand). Cytogenetic location: 6p21.2.
Variant type: Deletion.
Coding change: c.10141-4del on transcript NM_001206927.2 (MANE Select); 4 bases into the intron before coding-DNA position 10141, one base deleted (A; older notation c.10141-4delA).
Molecular consequence: intron variant.
Genome position (GRCh38, 1-based): chr6:38,917,235, A deleted. VCF-style (leftmost placement, unchanged base first): chr6-38917234-TA-T. GRCh37 (hg19) VCF-style: chr6-38885010-TA-T.
Other names: p.?; c.9490-4del (NM_001371.4).
Identifiers: ClinVar variation 257626 (VCV000257626.19), dbSNP rs11291395, ClinGen allele CA3790665.